The following is an entry in ClinVar:

NM_022463.5(NXN):c.725C>T (p.Ser242Phe)

Gene: NXN (nucleoredoxin; minus strand). Cytogenetic location: 17p13.3.
Variant type: single nucleotide variant.
Coding change: c.725C>T on transcript NM_022463.5 (MANE Select); coding-DNA position 725, C replaced by T.
Protein change: p.Ser242Phe; replaces serine 242 with phenylalanine.
Molecular consequence: missense variant.
Genome position (GRCh38, 1-based): chr17:819,534, G>A on the plus strand (C>T on the coding strand, the complement: NXN is on the minus strand). VCF-style: chr17-819534-G-A. GRCh37 (hg19) VCF-style: chr17-722774-G-A.
Other names: c.401C>T, p.Ser134Phe (NM_001205319.1); c.725C>T (NM_022463.4); short protein forms S134F, S242F.
Identifiers: ClinVar variation 1410731 (VCV001410731.7), dbSNP rs200136022, ClinGen allele CA8264109.

ClinVar aggregate classification (germline): Uncertain significance. Review status: criteria provided, multiple submitters, no conflicts (2 of 4 stars). 2 submissions from 2 submitters: Uncertain significance (2). Last evaluated 2024-11-27.

Allele frequency attached by ClinVar (database versions not stated): ESP Exome Variant Server 0.00008; gnomAD 0.00014 and 0.00016; ExAC 0.00019; TOPMed 0.00019.
gnomAD v4.1: 357 of 1,604,032 alleles (0.022%); highest among the groups gnomAD compares: Middle Eastern, 0.067%; no homozygotes.

Submissions (2):

Ambry Genetics
Classification: Uncertain significance. Last evaluated: 2024-11-27. Review status: criteria provided, single submitter. Criteria: Ambry Variant Classification Scheme 2023. Collection method: clinical testing. Allele origin: germline.

Labcorp Genetics (formerly Invitae), Labcorp
Classification: Uncertain significance. Last evaluated: 2022-10-17. Review status: criteria provided, single submitter. Criteria: Invitae Variant Classification Sherloc (09022015). Collection method: clinical testing. Allele origin: germline.
Comment: This sequence change replaces serine, which is neutral and polar, with phenylalanine, which is neutral and non-polar, at codon 242 of the NXN protein (p.Ser242Phe). This variant is present in population databases (rs200136022, gnomAD 0.05%). This variant has not been reported in the literature in individuals affected with NXN-related conditions. ClinVar contains an entry for this variant (Variation ID: 1410731). Algorithms developed to predict the effect of missense changes on protein structure and function are either unavailable or do not agree on the potential impact of this missense change (SIFT: "Deleterious"; PolyPhen-2: "Probably Damaging"; Align-GVGD: "Class C0"). In summary, the available evidence is currently insufficient to determine the role of this variant in disease. Therefore, it has been classified as a Variant of Uncertain Significance.